The following is an entry in ClinVar:

NM_001035.3(RYR2):c.1476+3C>T

Gene: RYR2 (ryanodine receptor 2; plus strand). Cytogenetic location: 1q43.
Variant type: single nucleotide variant.
Coding change: c.1476+3C>T on transcript NM_001035.3 (MANE Select); 3 bases into the intron after coding-DNA position 1476, C replaced by T.
Molecular consequence: intron variant.
Genome position (GRCh38, 1-based): chr1:237,454,577, C>T. VCF-style: chr1-237454577-C-T. GRCh37 (hg19) VCF-style: chr1-237617877-C-T.
Other names: c.1476+3C>T (LRG_402t1).
Identifiers: ClinVar variation 506979 (VCV000506979.17), dbSNP rs1387762631, ClinGen allele CA529912661.
Genomic context (GRCh38, chr1:237,454,577, plus strand): 5'-AGACAAACAGAACAGACTACGAGCCCTGAAGAATCGGCAAAATCTCTTCCAGGAAGAGGT[C>T]CGTTTCTATCAACACTCATTTCTCTTCTGTTATTCTCTTGTAAAAACAGCTTCTTGGTTG-3'

ClinVar aggregate classification (germline): Conflicting classifications of pathogenicity. Review status: criteria provided, conflicting classifications (1 of 4 stars). 5 submissions from 5 submitters: Uncertain significance (2); Likely benign (3). Last evaluated 2025-12-22.

Conditions:
Cardiovascular phenotype. Identifiers: MedGen CN230736.
Catecholaminergic polymorphic ventricular tachycardia 1. Also called: RYR2-Related Catecholaminergic Polymorphic Ventricular Tachycardia; VENTRICULAR TACHYCARDIA, STRESS-INDUCED POLYMORPHIC 1; VENTRICULAR TACHYCARDIA, CATECHOLAMINERGIC POLYMORPHIC, 1, WITH OR WITHOUT ATRIAL DYSFUNCTION AND/OR DILATED CARDIOMYOPATHY. Identifiers: Orphanet 3286, MedGen C1631597, MONDO:0011484, OMIM 604772.
Cardiomyopathy (CMYO). Also called: Cardiomyopathies. Identifiers: Orphanet 167848, MedGen C0878544, MONDO:0004994, HP:0001638. Inheritance: Various modes of inheritance.

Allele frequency attached by ClinVar (database versions not stated): gnomAD exomes below 0.00001 and 0.00002; gnomAD 0.00002; TOPMed 0.00002.
gnomAD v4.1: 8 of 1,611,922 alleles (0.0005%); highest among the groups gnomAD compares: Admixed American, 0.012%; no homozygotes.

Submissions (5):

Labcorp Genetics (formerly Invitae), Labcorp
Classification: Uncertain significance for Catecholaminergic polymorphic ventricular tachycardia 1. Last evaluated: 2025-12-22. Review status: criteria provided, single submitter. Criteria: Invitae Variant Classification Sherloc (09022015). Collection method: clinical testing. Allele origin: germline.
Comment: This sequence change falls in intron 15 of the RYR2 gene. It does not directly change the encoded amino acid sequence of the RYR2 protein. It affects a nucleotide within the consensus splice site. This variant is present in population databases (no rsID available, gnomAD 0.01%). This variant has not been reported in the literature in individuals affected with RYR2-related conditions. ClinVar contains an entry for this variant (Variation ID: 506979). Variants that disrupt the consensus splice site are a relatively common cause of aberrant splicing (PMID: 17576681, 9536098). Algorithms developed to predict the effect of sequence changes on RNA splicing suggest that this variant is not likely to affect RNA splicing. In summary, the available evidence is currently insufficient to determine the role of this variant in disease. Therefore, it has been classified as a Variant of Uncertain Significance.

Ambry Genetics
Classification: Uncertain significance for Cardiovascular phenotype. Last evaluated: 2024-08-30. Review status: criteria provided, single submitter. Criteria: Ambry Variant Classification Scheme 2023. Collection method: clinical testing. Allele origin: germline.
Comment: The c.1476+3C>T intronic variant results from a C to T substitution 3 nucleotides after coding exon 15 in the RYR2 gene. This nucleotide position is poorly conserved in available vertebrate species. In silico splice site analysis predicts that this alteration will not have any significant effect on splicing. Since supporting evidence is limited at this time, the clinical significance of this alteration remains unclear.

Blueprint Genetics
Classification: Likely benign. Last evaluated: 2022-10-27. Review status: criteria provided, single submitter. Criteria: ACMG Guidelines, 2015. Collection method: clinical testing. Allele origin: germline.

GeneDx
Classification: Likely benign. Last evaluated: 2021-08-12. Review status: criteria provided, single submitter. Criteria: GeneDx Variant Classification Process June 2021. Collection method: clinical testing. Allele origin: germline. Affected: yes.

Color Diagnostics, LLC DBA Color Health
Classification: Likely benign for Cardiomyopathy. Last evaluated: 2018-12-05. Review status: criteria provided, single submitter. Criteria: ACMG Guidelines, 2015. Collection method: clinical testing. Allele origin: germline.

Literature cited by the submitters: PubMed 17576681 (cited by Labcorp Genetics (formerly Invitae), Labcorp); PubMed 9536098 (cited by Labcorp Genetics (formerly Invitae), Labcorp).